The following is an entry in ClinVar:

NM_020708.5(SLC12A5):c.281C>A (p.Ala94Asp)

Gene: SLC12A5 (solute carrier family 12 member 5; plus strand). Cytogenetic location: 20q13.12.
Variant type: single nucleotide variant.
Coding change: c.281C>A on transcript NM_020708.5 (MANE Select); coding-DNA position 281, C replaced by A.
Protein change: p.Ala94Asp; replaces alanine 94 with aspartic acid.
Molecular consequence: missense variant.
Genome position (GRCh38, 1-based): chr20:46,035,778, C>A. VCF-style: chr20-46035778-C-A. GRCh37 (hg19) VCF-style: chr20-44664417-C-A.
Other names: c.350C>A (NM_001134771.1); c.350C>A, p.Ala117Asp (NM_001134771.2); short protein forms A117D, A94D.
Identifiers: ClinVar variation 1468162 (VCV001468162.8), dbSNP rs2084493069, ClinGen allele CA409187474.

ClinVar aggregate classification (germline): Uncertain significance. Review status: criteria provided, multiple submitters, no conflicts (2 of 4 stars). 2 submissions from 2 submitters: Uncertain significance (2). Last evaluated 2021-06-17.

Conditions:
Developmental and epileptic encephalopathy, 34 (DEE34). Also called: Early infantile epileptic encephalopathy 34; SLC12A5-Related Epilepsy of Infancy with Migrating Focal Seizures. Identifiers: Orphanet 293181, MedGen C4225257, MONDO:0014718, OMIM 616645.

Submissions (2):

Ambry Genetics
Classification: Uncertain significance. Last evaluated: 2021-06-17. Review status: criteria provided, single submitter. Criteria: Ambry Variant Classification Scheme 2023. Collection method: clinical testing. Allele origin: germline.

Labcorp Genetics (formerly Invitae), Labcorp
Classification: Uncertain significance for Developmental and epileptic encephalopathy, 34. Last evaluated: 2021-04-02. Review status: criteria provided, single submitter. Criteria: Invitae Variant Classification Sherloc (09022015). Collection method: clinical testing. Allele origin: germline.
Comment: In summary, the available evidence is currently insufficient to determine the role of this variant in disease. Therefore, it has been classified as a Variant of Uncertain Significance. Algorithms developed to predict the effect of missense changes on protein structure and function (SIFT, PolyPhen-2, Align-GVGD) all suggest that this variant is likely to be tolerated, but these predictions have not been confirmed by published functional studies and their clinical significance is uncertain. This variant has not been reported in the literature in individuals with SLC12A5-related conditions. This variant is not present in population databases (ExAC no frequency). This sequence change replaces alanine with aspartic acid at codon 94 of the SLC12A5 protein (p.Ala94Asp). The alanine residue is moderately conserved and there is a moderate physicochemical difference between alanine and aspartic acid.